The following is an entry in ClinVar:

NM_001195248.2(APTX):c.18G>T (p.Trp6Cys)

Gene: APTX (aprataxin; minus strand). Cytogenetic location: 9p21.1.
Variant type: single nucleotide variant.
Coding change: c.18G>T on transcript NM_001195248.2 (MANE Select); coding-DNA position 18, G replaced by T.
Protein change: p.Trp6Cys; replaces tryptophan 6 with cysteine.
Molecular consequence: missense variant. On other transcripts: 5 prime UTR variant (8), non-coding transcript variant (13).
Genome position (GRCh38, 1-based): chr9:32,989,874, C>A on the plus strand (G>T on the coding strand, the complement: APTX is on the minus strand). VCF-style: chr9-32989874-C-A. GRCh37 (hg19) VCF-style: chr9-32989872-C-A.
Other names: p.W6C:TGG>TGT; c.18G>T, p.Trp6Cys (NM_001195249.2, NM_001195250.2, NM_001195251.2 and 11 more transcripts); c.-242G>T (NM_001369002.1, NM_001369003.1, NM_001369005.1 and 4 more transcripts); c.-200G>T (NM_001369004.1); short protein forms W6C.
Identifiers: ClinVar variation 214126 (VCV000214126.31), dbSNP rs144076460, ClinGen allele CA324705.
Genomic context (GRCh38, chr9:32,989,874, plus strand): 5'-CACAACTGCTTCCAAATGTGGAAGTCTGATTCGCTGGTGCCGGCTGTCCTGTCTCACCAA[C>A]CAGCACACCCGCATCATCACTCTAAGGGACAAAACAAAAGAATCACTAGAAAAACAGATC-3'
Protein context (NP_001182177.2, residues 1-16): MMRVC[Trp6Cys]LVRQDSRHQR

ClinVar aggregate classification (germline): Conflicting classifications of pathogenicity. Review status: criteria provided, conflicting classifications (1 of 4 stars). 11 submissions from 11 submitters: Uncertain significance (10); Likely benign (1). Last evaluated 2025-12-29.

Conditions:
Inborn genetic diseases. Identifiers: MedGen C0950123, MeSH D030342.
Ataxia, early-onset, with oculomotor apraxia and hypoalbuminemia (EAOH). Also called: ATAXIA-OCULOMOTOR APRAXIA SYNDROME; ATAXIA-TELANGIECTASIA-LIKE SYNDROME; Ataxia-oculomotor apraxia type 1. Identifiers: Orphanet 1168, MedGen C1859598, MONDO:0008842, OMIM 208920.

Allele frequency attached by ClinVar (database versions not stated): 1000 Genomes Project 30x 0.00016; 1000 Genomes Project 0.00020; TOPMed 0.00034; gnomAD 0.00042 and 0.00046; gnomAD exomes 0.00050 and 0.00055; ExAC 0.00072.
gnomAD v4.1: 865 of 1,614,190 alleles (0.054%); highest among the groups gnomAD compares: Non-Finnish European, 0.065%; 2 homozygotes.

Submissions (11):

Labcorp Genetics (formerly Invitae), Labcorp
Classification: Likely benign. Last evaluated: 2025-12-29. Review status: criteria provided, single submitter. Criteria: Invitae Variant Classification Sherloc (09022015). Collection method: clinical testing. Allele origin: germline.

Mayo Clinic Laboratories, Mayo Clinic
Classification: Uncertain significance. Last evaluated: 2025-12-18. Review status: criteria provided, single submitter. Criteria: ACMG Guidelines, 2015. Collection method: clinical testing. Allele origin: germline. Observed: 2 variant alleles.

GeneDx
Classification: Uncertain significance. Last evaluated: 2025-05-20. Review status: criteria provided, single submitter. Criteria: GeneDx Variant Classification Process June 2021. Collection method: clinical testing. Allele origin: germline. Affected: yes.
Comment: Reported previously as a variant of uncertain significance; however, no clinical or segregation information was provided (PMID: 26285866); In silico analysis supports that this missense variant has a deleterious effect on protein structure/function; This variant is associated with the following publications: (PMID: 26285866)

Blueprint Genetics
Classification: Uncertain significance. Last evaluated: 2024-11-25. Review status: criteria provided, single submitter. Criteria: ACMG Guidelines, 2015. Collection method: clinical testing. Allele origin: germline.

Women's Health and Genetics/Laboratory Corporation of America, LabCorp
Classification: Uncertain significance. Last evaluated: 2024-09-17. Review status: criteria provided, single submitter. Criteria: LabCorp Variant Classification Summary - May 2015. Collection method: clinical testing. Allele origin: germline.
Comment: Variant summary: APTX c.18G>T (p.Trp6Cys) results in a non-conservative amino acid change located in the PNK, FHA domain (IPR041388) of the encoded protein sequence. Three of three in-silico tools predict a damaging effect of the variant on protein function. The variant allele was found at a frequency of 0.00054 in 1614190 control chromosomes in the gnomAD database, including 2 homozygotes. This frequency is not significantly higher than estimated for a pathogenic variant in APTX causing Ataxia, Early-Onset, With Oculomotor Apraxia And Hypoalbuminemia, allowing no conclusion about variant significance. c.18G>T has been reported in the literature in an unknown zygosity in at least 1 individual affected with clinical features of Ataxia, Early-Onset, With Oculomotor Apraxia And Hypoalbuminemia (example, van Minkelen_2015). These report(s) do not provide unequivocal conclusions about association of the variant with Ataxia, Early-Onset, With Oculomotor Apraxia And Hypoalbuminemia. To our knowledge, no experimental evidence demonstrating an impact on protein function has been reported. ClinVar contains an entry for this variant (Variation ID: 214126). Based on the evidence outlined above, the variant was classified as uncertain significance.

Ambry Genetics
Classification: Uncertain significance for Inborn genetic diseases. Last evaluated: 2021-11-01. Review status: criteria provided, single submitter. Criteria: Ambry Variant Classification Scheme 2023. Collection method: clinical testing. Allele origin: germline.

Athena Diagnostics
Classification: Uncertain significance. Last evaluated: 2019-10-23. Review status: criteria provided, single submitter. Criteria: Athena Diagnostics Criteria. Collection method: clinical testing. Allele origin: unknown.

Baylor Genetics
Classification: Uncertain significance for Ataxia, early-onset, with oculomotor apraxia and hypoalbuminemia. Last evaluated: 2018-07-20. Review status: criteria provided, single submitter. Criteria: ACMG Guidelines, 2015. Collection method: clinical testing. Allele origin: maternal. Affected: yes.
Comment: This variant was determined to be of uncertain significance according to ACMG Guidelines, 2015 [PMID:25741868]. These variants have been previously reported but pathogenicity of these changes is unclear [PMID 26285866]

ARUP Laboratories, Molecular Genetics and Genomics, ARUP Laboratories
Classification: Uncertain significance. Last evaluated: 2018-02-08. Review status: criteria provided, single submitter. Criteria: ARUP Molecular Germline Variant Investigation Process. Collection method: clinical testing. Allele origin: germline.
Comment: The APTX: c.18G>T; p.Trp6Cys variant (rs144076460; ClinVar Variation ID: 214126) has been previously reported in a cohort of patients with a clinical diagnosis of oculomotor apraxia type 1 (van Minkelen 2015). However, no other specific genotype or inheritance information was provided, and the authors considered this variant to be of uncertain clinical significance. This variant is listed in the Genome Aggregation Database (gnomAD) browser with a frequency in non-Finnish European populations of 0.1% (identified in 122 out of 126,606 chromosomes, including 1 homozygote). The tryptophan at codon 6 is highly conserved considering 12 species up to Bakerâ€™s yeast (Alamut software v2.9), and computational analyses suggest this variant has a significant effect on APTX protein structure/function (SIFT: damaging and PolyPhen2: probably damaging). However, based on the available information, the clinical significance of the p.Trp6Cys variant cannot be determined with certainty.

Illumina Laboratory Services, Illumina
Classification: Uncertain significance for Ataxia, early-onset, with oculomotor apraxia and hypoalbuminemia. Last evaluated: 2018-01-13. Review status: criteria provided, single submitter. Criteria: ICSL Variant Classification Criteria 13 December 2019. Collection method: clinical testing. Allele origin: germline.

Eurofins Ntd Llc (ga)
Classification: Uncertain significance. Last evaluated: 2017-02-24. Review status: criteria provided, single submitter. Criteria: EGL Classification Definitions 2015. Collection method: clinical testing. Allele origin: germline. Observed: 1 variant allele, 1 heterozygote.

Literature cited by the submitters: PubMed 26285866 (cited by 4 submitters).